The following is an entry in ClinVar:

NM_000053.4(ATP7B):c.4229G>A (p.Trp1410Ter)

Gene: ATP7B (ATPase copper transporting beta; minus strand). Cytogenetic location: 13q14.3.
Variant type: single nucleotide variant.
Coding change: c.4229G>A on transcript NM_000053.4 (MANE Select); coding-DNA position 4229, G replaced by A.
Protein change: p.Trp1410Ter; replaces tryptophan 1410 with a stop codon.
Molecular consequence: nonsense.
Genome position (GRCh38, 1-based): chr13:51,934,925, C>T on the plus strand (G>A on the coding strand, the complement: ATP7B is on the minus strand). VCF-style: chr13-51934925-C-T. GRCh37 (hg19) VCF-style: chr13-52509061-C-T.
Other names: c.4085G>A, p.Trp1362Ter (NM_001406521.1, NM_001406522.1, NM_001406520.1); c.4046G>A, p.Trp1349Ter (NM_001406523.1); c.4052G>A, p.Trp1351Ter (NM_001406524.1); c.4034G>A, p.Trp1345Ter (NM_001406525.1); c.4025G>A, p.Trp1342Ter (NM_001406526.1); c.3995G>A, p.Trp1332Ter (NM_001406527.1, NM_001406528.1, NM_001330578.2); c.3989G>A, p.Trp1330Ter (NM_001406530.1); c.3977G>A, p.Trp1326Ter (NM_001406531.1, NM_001330579.2, NM_001406532.1); and 21 more; short protein forms W1203*, W1284*, W1332*, W1378*, W1194*, W1216*, W1300*, W1326*.
Identifiers: ClinVar variation 1929153 (VCV001929153.6), dbSNP rs2547542223, ClinGen allele CA388019493.

ClinVar aggregate classification (germline): Pathogenic/Likely pathogenic. Review status: criteria provided, multiple submitters, no conflicts (2 of 4 stars). 2 submissions from 2 submitters: Pathogenic (1); Likely pathogenic (1). Last evaluated 2023-04-07.

Conditions:
Wilson disease (WND). Also called: Wilson's disease. Identifiers: Orphanet 905, MedGen C0019202, MONDO:0010200, OMIM 277900. Disease mechanism: loss of function.

Submissions (2):

Baylor Genetics
Classification: Likely pathogenic for Wilson disease. Last evaluated: 2023-04-07. Review status: criteria provided, single submitter. Criteria: ACMG Guidelines, 2015. Collection method: clinical testing. Allele origin: unknown.

Labcorp Genetics (formerly Invitae), Labcorp
Classification: Pathogenic for Wilson disease. Last evaluated: 2022-10-28. Review status: criteria provided, single submitter. Criteria: Invitae Variant Classification Sherloc (09022015). Collection method: clinical testing. Allele origin: germline.
Comment: This premature translational stop signal has been observed in individual(s) with Wilson disease (PMID: 18483695). This variant is not present in population databases (gnomAD no frequency). This sequence change creates a premature translational stop signal (p.Trp1410*) in the ATP7B gene. While this is not anticipated to result in nonsense mediated decay, it is expected to disrupt the last 56 amino acid(s) of the ATP7B protein. This variant disrupts a region of the ATP7B protein in which other variant(s) (p.Arg1459Glyfs*2) have been determined to be pathogenic (PMID: 26799313). This suggests that this is a clinically significant region of the protein, and that variants that disrupt it are likely to be disease-causing. For these reasons, this variant has been classified as Pathogenic.

Literature cited by the submitters: PubMed 18483695 (cited by Labcorp Genetics (formerly Invitae), Labcorp); PubMed 26799313 (cited by Labcorp Genetics (formerly Invitae), Labcorp).